The following is an entry in ClinVar:

ClinVar aggregate classification (germline): Uncertain significance (1 of 4 stars; one submission).

Conditions:
Hypertrophic cardiomyopathy. Also called: HYPERTROPHIC MYOCARDIOPATHY. Identifiers: Orphanet 217569, MedGen C0007194, MeSH D002312, MONDO:0005045, HP:0001639.

gnomAD v4.1: 1 of 1,614,238 alleles (0.000062%); highest among the groups gnomAD compares: South Asian, 0.0011%; no homozygotes.

Submission:

Labcorp Genetics (formerly Invitae), Labcorp
Classification: Uncertain significance for Hypertrophic cardiomyopathy. Last evaluated: 2025-12-08. Review status: criteria provided, single submitter. Criteria: Invitae Variant Classification Sherloc (09022015). Collection method: clinical testing. Allele origin: germline.
Comment: This sequence change replaces proline, which is neutral and non-polar, with leucine, which is neutral and non-polar, at codon 14 of the MYH7 protein (p.Pro14Leu). This variant is present in population databases (rs766301164, gnomAD no frequency). This variant has not been reported in the literature in individuals affected with MYH7-related conditions. Invitae Evidence Modeling of protein sequence and biophysical properties (such as structural, functional, and spatial information, amino acid conservation, physicochemical variation, residue mobility, and thermodynamic stability) has been performed for this missense variant. However, the output from this modeling did not meet the statistical confidence thresholds required to predict the impact of this variant on MYH7 protein function. In summary, the available evidence is currently insufficient to determine the role of this variant in disease. Therefore, it has been classified as a Variant of Uncertain Significance.

NM_000257.4(MYH7):c.41C>T (p.Pro14Leu)

Gene: MYH7 (myosin heavy chain 7; minus strand). Cytogenetic location: 14q11.2.
Variant type: single nucleotide variant.
Coding change: c.41C>T on transcript NM_000257.4 (MANE Select); coding-DNA position 41, C replaced by T.
Protein change: p.Pro14Leu; replaces proline 14 with leucine.
Molecular consequence: missense variant.
Genome position (GRCh38, 1-based): chr14:23,433,692, G>A on the plus strand (C>T on the coding strand, the complement: MYH7 is on the minus strand). VCF-style: chr14-23433692-G-A. GRCh37 (hg19) VCF-style: chr14-23902901-G-A.
Other names: c.41C>T, p.Pro14Leu (NM_001407004.1); short protein forms P14L.
Identifiers: ClinVar variation 4753275 (VCV004753275.1).
Genomic context (GRCh38, chr14:23,433,692, plus strand): 5'-TTGAGGTCAAAAGGCCTGGTCTGCGCTTCTAGCCGCTCCTTCTCTGACTTGCGCAGGTAG[G>A]GGGCGGCAGCCCCAAAGACTGCCATCTCCGAATCTCCCATGGCTGTGCCTGGAGTGAGCA-3'
Protein context (NP_000248.2, residues 4-24): SEMAVFGAAA[Pro14Leu]YLRKSEKERL